The following is an entry in ClinVar:

NM_002608.4(PDGFB):c.316A>G (p.Ile106Val)

Gene: PDGFB (platelet derived growth factor subunit B; minus strand). Cytogenetic location: 22q13.1.
Variant type: single nucleotide variant.
Coding change: c.316A>G on transcript NM_002608.4 (MANE Select); coding-DNA position 316, A replaced by G.
Protein change: p.Ile106Val; replaces isoleucine 106 with valine.
Molecular consequence: missense variant.
Genome position (GRCh38, 1-based): chr22:39,231,762, T>C on the plus strand (A>G on the coding strand, the complement: PDGFB is on the minus strand). VCF-style: chr22-39231762-T-C. GRCh37 (hg19) VCF-style: chr22-39627767-T-C.
Other names: c.316A>G (NM_002608.2); c.271A>G, p.Ile91Val (NM_033016.3); short protein forms I106V, I91V.
Identifiers: ClinVar variation 2967403 (VCV002967403.4), dbSNP rs763543941, ClinGen allele CA10240143.

ClinVar aggregate classification (germline): Uncertain significance. Review status: criteria provided, multiple submitters, no conflicts (2 of 4 stars). 2 submissions from 2 submitters: Uncertain significance (2). Last evaluated 2023-11-13.

Allele frequency attached by ClinVar (database versions not stated): TOPMed 0.00001; gnomAD 0.00003; gnomAD exomes 0.00003; ExAC 0.00005.
gnomAD v4.1: 53 of 1,613,574 alleles (0.0033%); highest among the groups gnomAD compares: East Asian, 0.12%; no homozygotes.

Submissions (2):

GeneDx
Classification: Uncertain significance. Last evaluated: 2023-11-13. Review status: criteria provided, single submitter. Criteria: GeneDx Variant Classification Process June 2021. Collection method: clinical testing. Allele origin: germline. Affected: yes.
Comment: In silico analysis supports that this missense variant does not alter protein structure/function; Has not been previously published as pathogenic or benign to our knowledge

Labcorp Genetics (formerly Invitae), Labcorp
Classification: Uncertain significance. Last evaluated: 2023-07-14. Review status: criteria provided, single submitter. Criteria: Invitae Variant Classification Sherloc (09022015). Collection method: clinical testing. Allele origin: germline.
Comment: This sequence change replaces isoleucine, which is neutral and non-polar, with valine, which is neutral and non-polar, at codon 106 of the PDGFB protein (p.Ile106Val). This variant is present in population databases (rs763543941, gnomAD 0.03%). This variant has not been reported in the literature in individuals affected with PDGFB-related conditions. Advanced modeling of protein sequence and biophysical properties (such as structural, functional, and spatial information, amino acid conservation, physicochemical variation, residue mobility, and thermodynamic stability) performed at Invitae indicates that this missense variant is not expected to disrupt PDGFB protein function. In summary, the available evidence is currently insufficient to determine the role of this variant in disease. Therefore, it has been classified as a Variant of Uncertain Significance.